The following is an entry in ClinVar:

NM_014727.3(KMT2B):c.1545dup (p.Lys516fs)

Gene: KMT2B (lysine methyltransferase 2B; plus strand). Cytogenetic location: 19q13.12.
Variant type: Duplication.
Coding change: c.1545dup on transcript NM_014727.3 (MANE Select); coding-DNA position 1545, one base duplicated (C; older notation c.1545dupC).
Protein change: p.Lys516fs; shifts the reading frame from lysine 516.
Molecular consequence: frameshift variant.
Genome position (GRCh38, 1-based): chr19:35,720,892, C duplicated; the last of 5 consecutive C bases (chr19:35,720,888-35,720,892); duplicating any one gives the same sequence. VCF-style (leftmost placement, unchanged base first): chr19-35720887-G-GC. GRCh37 (hg19) VCF-style: chr19-36211789-G-GC.
Other names: short protein forms K516fs.
Identifiers: ClinVar variation 4531717 (VCV004531717.1).
Genomic context (GRCh38, chr19:35,720,887, plus strand): 5'-CCTCCCACTCCAACCCCCAGCACCGCCACGGGAGGCCCTCCGGAAGACAGTCCCACCGTG[G>GC]CCCCCAAAAGCACCACCTTCCTGAAGAATATCCGGCAGTTTATTATGCCTGTGGTGAGTG-3'

ClinVar aggregate classification (germline): Pathogenic (1 of 4 stars; one submission).

Conditions:
Intellectual developmental disorder, autosomal dominant 68 (MRD68). Also called: MENTAL RETARDATION, AUTOSOMAL DOMINANT 68. Identifiers: MedGen C5677008, MONDO:0030969, OMIM 619934.

Submission:

Victorian Clinical Genetics Services, Murdoch Childrens Research Institute
Classification: Pathogenic for Intellectual developmental disorder, autosomal dominant 68. Last evaluated: 2025-11-05. Review status: criteria provided, single submitter. Criteria: ACMG Guidelines, 2015. Collection method: clinical testing. Allele origin: germline. Affected: yes.
Comment: This variant is classified as Pathogenic. Evidence in support of pathogenic classification: Variant is predicted to cause nonsense-mediated decay (NMD) and loss of protein (premature termination codon is located at least 54 nucleotides upstream of the final exon-exon junction); Variant is absent from gnomAD (v2, v3 and v4); Other NMD-predicted variant(s) comparable to the one identified in this case have very strong previous evidence for pathogenicity (DECIPHER). Additional information: This variant is heterozygous; This gene is associated with autosomal dominant disease; This variant has no previous evidence of pathogenicity; No published evidence of segregation with disease has been identified for this variant; No published functional evidence has been identified for this variant; Loss of function is a known mechanism of disease in this gene and is associated with childhood-onset dystonia 28 (MIM#617284) and autosomal dominant intellectual developmental disorder 68 (MIM#619934); The condition associated with this gene has incomplete penetrance. Rarely, inheritance from an asymptomatic parent has been reported for missense variants (PMID: 33150406); Parental origin of the variant is unresolved.

Literature cited by the submitters: PubMed 33150406.